The following is an entry in ClinVar:

ClinVar aggregate classification (germline): Uncertain significance. Review status: criteria provided, multiple submitters, no conflicts (2 of 4 stars). 3 submissions from 3 submitters: Uncertain significance (3). Last evaluated 2023-10-06.

Conditions:
Inborn genetic diseases. Identifiers: MedGen C0950123, MeSH D030342.

gnomAD v4.1: 12 of 1,612,820 alleles (0.00074%); highest among the groups gnomAD compares: African/African-American, 0.0067%; no homozygotes.

Submissions (3):

Labcorp Genetics (formerly Invitae), Labcorp
Classification: Uncertain significance. Last evaluated: 2023-10-06. Review status: criteria provided, single submitter. Criteria: Invitae Variant Classification Sherloc (09022015). Collection method: clinical testing. Allele origin: germline.
Comment: This sequence change replaces arginine, which is basic and polar, with glycine, which is neutral and non-polar, at codon 2737 of the SRCAP protein (p.Arg2737Gly). This variant is present in population databases (no rsID available, gnomAD 0.007%). This variant has not been reported in the literature in individuals affected with SRCAP-related conditions. ClinVar contains an entry for this variant (Variation ID: 2436478). Advanced modeling of protein sequence and biophysical properties (such as structural, functional, and spatial information, amino acid conservation, physicochemical variation, residue mobility, and thermodynamic stability) performed at Invitae indicates that this missense variant is not expected to disrupt SRCAP protein function. In summary, the available evidence is currently insufficient to determine the role of this variant in disease. Therefore, it has been classified as a Variant of Uncertain Significance.

Ambry Genetics
Classification: Uncertain significance for Inborn genetic diseases. Last evaluated: 2023-07-25. Review status: criteria provided, single submitter. Criteria: Ambry Variant Classification Scheme 2023. Collection method: clinical testing. Allele origin: germline.

Revvity Omics, Revvity
Classification: Uncertain significance. Last evaluated: 2020-04-22. Review status: criteria provided, single submitter. Criteria: ACMG Guidelines, 2015. Collection method: clinical testing. Allele origin: germline.

NM_006662.3(SRCAP):c.8209C>G (p.Arg2737Gly)

Gene: SRCAP (Snf2 related CREBBP activator protein; plus strand). Cytogenetic location: 16p11.2.
Variant type: single nucleotide variant.
Coding change: c.8209C>G on transcript NM_006662.3 (MANE Select); coding-DNA position 8209, C replaced by G.
Protein change: p.Arg2737Gly; replaces arginine 2737 with glycine.
Molecular consequence: missense variant.
Genome position (GRCh38, 1-based): chr16:30,738,249, C>G. VCF-style: chr16-30738249-C-G. GRCh37 (hg19) VCF-style: chr16-30749570-C-G.
Other names: short protein forms R2737G.
Identifiers: ClinVar variation 2436478 (VCV002436478.8), dbSNP rs770652502, ClinGen allele CA395636607.
Genomic context (GRCh38, chr16:30,738,249, plus strand): 5'-GCCCGACCTCCTCGGCGTCGCACCAGTGCTGATGTGGAAATTAGGGGTCAAGGGACTGGT[C>G]GGCCAGGACAACCACCAGGCCCCAAAGTGCTTCGAAAGCTGCCAGGACGGCTGGTAACTG-3'
Protein context (NP_006653.2, residues 2727-2747): DVEIRGQGTG[Arg2737Gly]PGQPPGPKVL